The following is an entry in ClinVar:

NM_000535.7(PMS2):c.1456G>A (p.Asp486Asn)

Gene: PMS2 (PMS1 homolog 2, mismatch repair system component; minus strand). Cytogenetic location: 7p22.1.
Variant type: single nucleotide variant.
Coding change: c.1456G>A on transcript NM_000535.7 (MANE Select); coding-DNA position 1456, G replaced by A.
Protein change: p.Asp486Asn; replaces aspartic acid 486 with asparagine.
Molecular consequence: missense variant. On other transcripts: non-coding transcript variant (1).
Genome position (GRCh38, 1-based): chr7:5,987,309, C>T on the plus strand (G>A on the coding strand, the complement: PMS2 is on the minus strand). VCF-style: chr7-5987309-C-T. GRCh37 (hg19) VCF-style: chr7-6026940-C-T.
Other names: c.1051G>A, p.Asp351Asn (NM_001018040.1, NM_001322003.2, NM_001322004.2 and 17 more transcripts); c.1300G>A, p.Asp434Asn (NM_001322006.2, NM_001406870.1); c.1138G>A, p.Asp380Asn (NM_001322007.2, NM_001322008.2, NM_001406876.1 and 2 more transcripts); c.895G>A, p.Asp299Asn (NM_001322010.2, NM_001406906.1, NM_001406907.1); c.523G>A, p.Asp175Asn (NM_001322011.2, NM_001322012.2); c.883G>A, p.Asp295Asn (NM_001322013.2, NM_001406909.1); c.1456G>A, p.Asp486Asn (NM_001322014.2, NM_001406871.1, NM_001406872.1); c.1147G>A, p.Asp383Asn (NM_001322015.2, NM_001406875.1, NM_001406877.1 and 5 more transcripts); and 12 more; short protein forms D229N, D380N, D434N, D450N, D175N, D299N, D315N, D351N.
Identifiers: ClinVar variation 2118124 (VCV002118124.5), dbSNP rs2128730228, ClinGen allele CA366741924.
Genomic context (GRCh38, chr7:5,987,309, plus strand): 5'-ACCCCTCAGAATCCACGGAAGTGCTGCCGTGCCCCGAGTCCTTCTCCACCTCCGCTCTGT[C>T]CGTAGGGTCACTGGGTCCGTGACTGGAACTCACTGCCTCTTTCTGAGGTCTCAGGACGCC-3'
Protein context (NP_000526.2, residues 476-496): SSSHGPSDPT[Asp486Asn]RAEVEKDSGH

ClinVar aggregate classification (germline): Conflicting classifications of pathogenicity. Review status: criteria provided, conflicting classifications (1 of 4 stars). 2 submissions from 2 submitters: Uncertain significance (1); Likely benign (1). Last evaluated 2024-07-05.

Conditions:
Hereditary cancer-predisposing syndrome. Also called: Neoplastic Syndromes, Hereditary; Tumor predisposition; Hereditary Cancer Syndrome; Hereditary neoplastic syndrome. Identifiers: Orphanet 140162, MedGen C0027672, MeSH D009386, MONDO:0015356.
Hereditary nonpolyposis colorectal neoplasms. Identifiers: MedGen C0009405, MeSH D003123.

Submissions (2):

Ambry Genetics
Classification: Likely benign for Hereditary cancer-predisposing syndrome. Last evaluated: 2024-07-05. Review status: criteria provided, single submitter. Criteria: Ambry Variant Classification Scheme 2023. Collection method: clinical testing. Allele origin: germline.

Labcorp Genetics (formerly Invitae), Labcorp
Classification: Uncertain significance for Hereditary nonpolyposis colorectal neoplasms. Last evaluated: 2022-03-27. Review status: criteria provided, single submitter. Criteria: Invitae Variant Classification Sherloc (09022015). Collection method: clinical testing. Allele origin: germline.
Comment: In summary, the available evidence is currently insufficient to determine the role of this variant in disease. Therefore, it has been classified as a Variant of Uncertain Significance. Advanced modeling of protein sequence and biophysical properties (such as structural, functional, and spatial information, amino acid conservation, physicochemical variation, residue mobility, and thermodynamic stability) performed at Invitae indicates that this missense variant is not expected to disrupt PMS2 protein function. This variant has not been reported in the literature in individuals affected with PMS2-related conditions. This variant is not present in population databases (gnomAD no frequency). This sequence change replaces aspartic acid, which is acidic and polar, with asparagine, which is neutral and polar, at codon 486 of the PMS2 protein (p.Asp486Asn).